The following is an entry in ClinVar:

NM_001370959.1(POU6F2):c.722C>G (p.Pro241Arg)

Gene: POU6F2 (POU class 6 homeobox 2; plus strand). Cytogenetic location: 7p14.1.
Variant type: single nucleotide variant.
Coding change: c.722C>G on transcript NM_001370959.1 (MANE Select); coding-DNA position 722, C replaced by G.
Protein change: p.Pro241Arg; replaces proline 241 with arginine.
Molecular consequence: missense variant.
Genome position (GRCh38, 1-based): chr7:39,339,765, C>G. VCF-style: chr7-39339765-C-G. GRCh37 (hg19) VCF-style: chr7-39379364-C-G.
Other names: c.635C>G, p.Pro212Arg (NM_001166018.2, NM_007252.4); short protein forms P241R, P212R.
Identifiers: ClinVar variation 3782106 (VCV003782106.9).

ClinVar aggregate classification (germline): Conflicting classifications of pathogenicity. Review status: criteria provided, conflicting classifications (1 of 4 stars). 2 submissions from 2 submitters: Uncertain significance (1); Likely benign (1). Last evaluated 2025-08-01.

gnomAD v4.1: 43 of 1,587,632 alleles (0.0027%); highest among the groups gnomAD compares: Admixed American, 0.0036%; no homozygotes.

Submissions (2):

CeGaT Center for Human Genetics Tuebingen
Classification: Likely benign. Last evaluated: 2025-08-01. Review status: criteria provided, single submitter. Criteria: CeGaT Center For Human Genetics Tuebingen Variant Classification Criteria Version 2. Collection method: clinical testing. Allele origin: germline. Affected: yes. Observed: 1 variant allele.
Comment: POU6F2: BS2

Ambry Genetics
Classification: Uncertain significance. Last evaluated: 2025-03-06. Review status: criteria provided, single submitter. Criteria: Ambry Variant Classification Scheme 2023. Collection method: clinical testing. Allele origin: germline.